The following is an entry in ClinVar:

ClinVar aggregate classification (germline): Uncertain significance. Review status: criteria provided, multiple submitters, no conflicts (2 of 4 stars). 2 submissions from 2 submitters: Uncertain significance (2). Last evaluated 2025-08-29.

Conditions:
Inborn genetic diseases. Identifiers: MedGen C0950123, MeSH D030342.

Allele frequency attached by ClinVar (database versions not stated): gnomAD exomes below 0.00001; ExAC 0.00002; TOPMed 0.00003; gnomAD 0.00005; ESP Exome Variant Server 0.00008; 1000 Genomes Project 30x 0.00016; 1000 Genomes Project 0.00020.

Submissions (2):

Ambry Genetics
Classification: Uncertain significance for Inborn genetic diseases. Last evaluated: 2025-08-29. Review status: criteria provided, single submitter. Criteria: Ambry Variant Classification Scheme 2023. Collection method: clinical testing. Allele origin: germline.

Labcorp Genetics (formerly Invitae), Labcorp
Classification: Uncertain significance. Last evaluated: 2022-03-13. Review status: criteria provided, single submitter. Criteria: Invitae Variant Classification Sherloc (09022015). Collection method: clinical testing. Allele origin: germline.
Comment: In summary, the available evidence is currently insufficient to determine the role of this variant in disease. Therefore, it has been classified as a Variant of Uncertain Significance. Algorithms developed to predict the effect of missense changes on protein structure and function output the following: SIFT: "Tolerated"; PolyPhen-2: "Benign"; Align-GVGD: "Class C0". The arginine amino acid residue is found in multiple mammalian species, which suggests that this missense change does not adversely affect protein function. This variant has not been reported in the literature in individuals affected with TRAF3IP1-related conditions. This variant is present in population databases (rs149339463, gnomAD 0.01%). This sequence change replaces glutamine, which is neutral and polar, with arginine, which is basic and polar, at codon 679 of the TRAF3IP1 protein (p.Gln679Arg).

NM_015650.4(TRAF3IP1):c.2036A>G (p.Gln679Arg)

Gene: TRAF3IP1 (TRAF3 interacting protein 1; plus strand). Cytogenetic location: 2q37.3.
Variant type: single nucleotide variant.
Coding change: c.2036A>G on transcript NM_015650.4 (MANE Select); coding-DNA position 2036, A replaced by G.
Protein change: p.Gln679Arg; replaces glutamine 679 with arginine.
Molecular consequence: missense variant.
Genome position (GRCh38, 1-based): chr2:238,398,879, A>G. VCF-style: chr2-238398879-A-G. GRCh37 (hg19) VCF-style: chr2-239307520-A-G.
Other names: c.2036A>G (NM_015650.3); c.1838A>G, p.Gln613Arg (NM_001139490.1); short protein forms Q613R, Q679R.
Identifiers: ClinVar variation 1922992 (VCV001922992.6), dbSNP rs149339463, ClinGen allele CA2198638.